The following is an entry in ClinVar:

ClinVar aggregate classification (germline): Uncertain significance (1 of 4 stars; one submission).

Conditions:
Hereditary cancer-predisposing syndrome. Also called: Tumor predisposition; Hereditary neoplastic syndrome; Neoplastic Syndromes, Hereditary; Hereditary Cancer Syndrome. Identifiers: Orphanet 140162, MedGen C0027672, MeSH D009386, MONDO:0015356.

Allele frequency attached by ClinVar (database versions not stated): gnomAD exomes below 0.00001; TOPMed 0.00002.
gnomAD v4.1: 1 of 1,613,668 alleles (0.000062%); highest among the groups gnomAD compares: African/African-American, 0.0013%; no homozygotes.

Submission:

Ambry Genetics
Classification: Uncertain significance for Hereditary cancer-predisposing syndrome. Last evaluated: 2023-07-27. Review status: criteria provided, single submitter. Criteria: Ambry Variant Classification Scheme 2023. Collection method: clinical testing. Allele origin: germline.
Comment: The p.S422L variant (also known as c.1265C>T), located in coding exon 11 of the MRE11A gene, results from a C to T substitution at nucleotide position 1265. The serine at codon 422 is replaced by leucine, an amino acid with dissimilar properties. This amino acid position is not well conserved in available vertebrate species. In addition, this alteration is predicted to be tolerated by in silico analysis. Since supporting evidence is limited at this time, the clinical significance of this alteration remains unclear.

NM_005591.4(MRE11):c.1265C>T (p.Ser422Leu)

Gene: MRE11 (MRE11 double strand break repair nuclease; minus strand). Cytogenetic location: 11q21.
Variant type: single nucleotide variant.
Coding change: c.1265C>T on transcript NM_005591.4 (MANE Select); coding-DNA position 1265, C replaced by T.
Protein change: p.Ser422Leu; replaces serine 422 with leucine.
Molecular consequence: missense variant.
Genome position (GRCh38, 1-based): chr11:94,460,997, G>A on the plus strand (C>T on the coding strand, the complement: MRE11 is on the minus strand). VCF-style: chr11-94460997-G-A. GRCh37 (hg19) VCF-style: chr11-94194163-G-A.
Other names: c.1265C>T, p.Ser422Leu (NM_001330347.2, NM_005590.4); short protein forms S422L.
Identifiers: ClinVar variation 818737 (VCV000818737.5), dbSNP rs891174993, ClinGen allele CA226529474.